The following is an entry in ClinVar:

ClinVar aggregate classification (germline): Uncertain significance (1 of 4 stars; one submission).

Conditions:
Joubert syndrome. Also called: Familial aplasia of the vermis; CEREBELLOPARENCHYMAL DISORDER IV; JOUBERT-BOLTSHAUSER SYNDROME. Identifiers: Orphanet 475, MedGen C5979921, MONDO:0018772.
Meckel-Gruber syndrome. Also called: Dysencephalia splachnocystica; DYSENCEPHALIA SPLANCHNOCYSTICA; GRUBER SYNDROME. Identifiers: Orphanet 564, MedGen C0265215, MONDO:0018921.

Submission:

Labcorp Genetics (formerly Invitae), Labcorp
Classification: Uncertain significance for Joubert syndrome; Meckel-Gruber syndrome. Last evaluated: 2022-07-12. Review status: criteria provided, single submitter. Criteria: Invitae Variant Classification Sherloc (09022015). Collection method: clinical testing. Allele origin: germline.
Comment: This variant has not been reported in the literature in individuals affected with MKS1-related conditions. This variant is not present in population databases (gnomAD no frequency). This sequence change falls in intron 8 of the MKS1 gene. It does not directly change the encoded amino acid sequence of the MKS1 protein. It affects a nucleotide within the consensus splice site. ClinVar contains an entry for this variant (Variation ID: 1055826). In summary, the available evidence is currently insufficient to determine the role of this variant in disease. Therefore, it has been classified as a Variant of Uncertain Significance. Variants that disrupt the consensus splice site are a relatively common cause of aberrant splicing (PMID: 17576681, 9536098). Algorithms developed to predict the effect of sequence changes on RNA splicing suggest that this variant may create or strengthen a splice site.

Literature cited by the submitters: PubMed 17576681; PubMed 9536098.

NM_017777.4(MKS1):c.858+4A>C

Gene: MKS1 (MKS transition zone complex subunit 1; minus strand). Cytogenetic location: 17q22.
Variant type: single nucleotide variant.
Coding change: c.858+4A>C on transcript NM_017777.4 (MANE Select); 4 bases into the intron after coding-DNA position 858, A replaced by C.
Molecular consequence: intron variant.
Genome position (GRCh38, 1-based): chr17:58,212,978, T>G on the plus strand (A>C on the coding strand, the complement: MKS1 is on the minus strand). VCF-style: chr17-58212978-T-G. GRCh37 (hg19) VCF-style: chr17-56290339-T-G.
Other names: c.249+4A>C (NM_001321268.2); c.858+4A>C (NM_001330397.2, NM_001321269.2).
Identifiers: ClinVar variation 1055826 (VCV001055826.3), dbSNP rs1359924062, ClinGen allele CA2499224752.